The following is an entry in ClinVar:

ClinVar aggregate classification (germline): Conflicting classifications of pathogenicity. Review status: criteria provided, conflicting classifications (1 of 4 stars). 4 submissions from 4 submitters: Uncertain significance (2); Benign (1); Likely benign (1). Last evaluated 2025-10-13.

Conditions:
Hereditary cancer-predisposing syndrome. Also called: Neoplastic Syndromes, Hereditary; Tumor predisposition; Hereditary Cancer Syndrome; Hereditary neoplastic syndrome. Identifiers: Orphanet 140162, MedGen C0027672, MeSH D009386, MONDO:0015356.
Gorlin syndrome. Also called: Basal cell nevus syndrome; Nevoid Basal Cell Carcinoma Syndrome. Identifiers: Orphanet 377, MedGen C0004779, MONDO:0007187.
PTCH1-related disorder. Also called: PTCH1-related disorders; PTCH1-related condition.

Allele frequency attached by ClinVar (database versions not stated): ExAC 0.00002; gnomAD 0.00002; gnomAD exomes 0.00002; TOPMed 0.00003.
gnomAD v4.1: 43 of 1,595,750 alleles (0.0027%); highest among the groups gnomAD compares: South Asian, 0.014%; no homozygotes.

Submissions (4):

Labcorp Genetics (formerly Invitae), Labcorp
Classification: Benign for Gorlin syndrome. Last evaluated: 2025-10-13. Review status: criteria provided, single submitter. Criteria: Invitae Variant Classification Sherloc (09022015). Collection method: clinical testing. Allele origin: germline.

Ambry Genetics
Classification: Uncertain significance for Hereditary cancer-predisposing syndrome. Last evaluated: 2025-08-14. Review status: criteria provided, single submitter. Criteria: Ambry Variant Classification Scheme 2023. Collection method: clinical testing. Allele origin: germline.

Quest Diagnostics Nichols Institute San Juan Capistrano
Classification: Uncertain significance. Last evaluated: 2025-05-21. Review status: criteria provided, single submitter. Criteria: Quest Diagnostics criteria. Collection method: clinical testing. Allele origin: unknown.
Comment: The PTCH1 c.3649G>A (p.Gly1217Arg) variant has not been reported in individuals with PTCH1-related conditions in the published literature. The frequency of this variant in the general population (Genome Aggregation Database) is uninformative in the assessment of its pathogenicity. Analysis of this variant using bioinformatics tools for the prediction of the effect of amino acid changes on protein structure and function yielded conflicting predictions that this variant is benign or damaging. Additional analysis using software algorithms for the prediction of the effect of nucleotide changes on PTCH1 mRNA splicing yielded predictions that this variant may result in the gain of a cryptic splice site without affecting the natural splice sites. Based on the available information, we are unable to determine the clinical significance of this variant.

PreventionGenetics, part of Exact Sciences
Classification: Likely benign for PTCH1-related condition. Last evaluated: 2024-12-03. Review status: criteria provided, single submitter. Criteria: ACMG Guidelines, 2015. Collection method: clinical testing. Allele origin: germline.
Comment: This variant is classified as likely benign based on ACMG/AMP sequence variant interpretation guidelines (Richards et al. 2015 PMID: 25741868, with internal and published modifications).

NM_000264.5(PTCH1):c.3649G>A (p.Gly1217Arg)

Gene: PTCH1 (patched 1; minus strand). Cytogenetic location: 9q22.32.
Variant type: single nucleotide variant.
Coding change: c.3649G>A on transcript NM_000264.5 (MANE Select); coding-DNA position 3649, G replaced by A.
Protein change: p.Gly1217Arg; replaces glycine 1217 with arginine.
Molecular consequence: missense variant. On other transcripts: non-coding transcript variant (1).
Genome position (GRCh38, 1-based): chr9:95,449,224, C>T on the plus strand (G>A on the coding strand, the complement: PTCH1 is on the minus strand). VCF-style: chr9-95449224-C-T. GRCh37 (hg19) VCF-style: chr9-98211506-C-T.
Other names: c.3451G>A, p.Gly1151Arg (NM_001083602.3); c.3646G>A, p.Gly1216Arg (NM_001083603.3); c.3196G>A, p.Gly1066Arg (NM_001083604.3, NM_001083605.3, NM_001083606.3 and 1 more transcripts); c.3493G>A, p.Gly1165Arg (NM_001354918.2); c.3649G>A (NM_000264.4); short protein forms G1217R, G1151R, G1066R, G1216R, G1165R.
Identifiers: ClinVar variation 571611 (VCV000571611.15), dbSNP rs768986314, ClinGen allele CA5138092.